The following is an entry in ClinVar:

ClinVar aggregate classification (germline): Uncertain significance (1 of 4 stars; one submission).

Conditions:
Bethlem myopathy 1A. Also called: MYOPATHY, BENIGN CONGENITAL, WITH CONTRACTURES; Bethlem myopathy 1; Bethlem Muscular Dystrophy. Identifiers: Orphanet 610, MedGen CN029274, MONDO:0024530, OMIM 158810.

Allele frequency attached by ClinVar (database versions not stated): gnomAD exomes below 0.00001.
gnomAD v4.1: 2 of 1,614,184 alleles (0.00012%); highest among the groups gnomAD compares: Non-Finnish European, 0.00017%; no homozygotes.

Submission:

Labcorp Genetics (formerly Invitae), Labcorp
Classification: Uncertain significance for Bethlem myopathy 1A. Last evaluated: 2024-10-25. Review status: criteria provided, single submitter. Criteria: Invitae Variant Classification Sherloc (09022015). Collection method: clinical testing. Allele origin: germline.
Comment: This sequence change replaces asparagine, which is neutral and polar, with aspartic acid, which is acidic and polar, at codon 251 of the COL6A3 protein (p.Asn251Asp). This variant is present in population databases (no rsID available, gnomAD 0.0009%). This variant has not been reported in the literature in individuals affected with COL6A3-related conditions. Invitae Evidence Modeling of protein sequence and biophysical properties (such as structural, functional, and spatial information, amino acid conservation, physicochemical variation, residue mobility, and thermodynamic stability) indicates that this missense variant is not expected to disrupt COL6A3 protein function with a negative predictive value of 95%. In summary, the available evidence is currently insufficient to determine the role of this variant in disease. Therefore, it has been classified as a Variant of Uncertain Significance.

NM_004369.4(COL6A3):c.751A>G (p.Asn251Asp)

Gene: COL6A3 (collagen type VI alpha 3 chain; minus strand). Cytogenetic location: 2q37.3.
Variant type: single nucleotide variant.
Coding change: c.751A>G on transcript NM_004369.4 (MANE Select); coding-DNA position 751, A replaced by G.
Protein change: p.Asn251Asp; replaces asparagine 251 with aspartic acid.
Molecular consequence: missense variant. On other transcripts: intron variant (2).
Genome position (GRCh38, 1-based): chr2:237,388,143, T>C on the plus strand (A>G on the coding strand, the complement: COL6A3 is on the minus strand). VCF-style: chr2-237388143-T-C. GRCh37 (hg19) VCF-style: chr2-238296786-T-C.
Other names: c.133A>G, p.Asn45Asp (NM_057165.5, NM_057167.4); c.92-6644A>G (NM_057166.5, NM_057164.5); short protein forms N251D, N45D.
Identifiers: ClinVar variation 2990995 (VCV002990995.3), dbSNP rs1330744460, ClinGen allele CA351224119.